The following is an entry in ClinVar:

ClinVar aggregate classification (germline): Pathogenic/Likely pathogenic. Review status: criteria provided, multiple submitters, no conflicts (2 of 4 stars). 2 submissions from 2 submitters: Pathogenic (1); Likely pathogenic (1). Last evaluated 2025-11-20.

Conditions:
Amyloidosis, hereditary systemic 1 (AMYLD1). Also called: Isolated Cardiac Amyloidosis; Amyloid Cardiomyopathy, Transthyretin-related; Familial amyloid polyneuropathy; Transthyretin Amyloidosis; AMYLOID CARDIOMYOPATHY; Hereditary Transthyretin Amyloidosis. Identifiers: Orphanet 85447, Orphanet 85451, MedGen C2751492, MONDO:0971004, OMIM 105210.
Cardiovascular phenotype. Identifiers: MedGen CN230736.

Submissions (2):

Ambry Genetics
Classification: Pathogenic for Cardiovascular phenotype. Last evaluated: 2025-11-20. Review status: criteria provided, single submitter. Criteria: Ambry Variant Classification Scheme 2023. Collection method: clinical testing. Allele origin: germline.
Comment: The p.H110D pathogenic mutation (also known as c.328C>G), located in coding exon 3 of the TTR gene, results from a C to G substitution at nucleotide position 328. The histidine at codon 110 is replaced by aspartic acid, an amino acid with similar properties. This variant was identified in one or more individuals with features consistent with hereditary transthyretin-related amyloidosis and segregated with disease in at least one family (Benson MD et al. Muscle Nerve, 2007 Oct;36:411-23; Jimenez-Zepeda VH et al. Amyloid, 2015 Mar;22:26-30; Carr AS et al. J Neurol Neurosurg Psychiatry, 2016 Jun;87:620-7; Rowczenio D et al. Hum Mutat, 2019 01;40:90-96; Asad M et al. J Neurol, 2022 Sep;269:4802-4807; Greve AM et al. JAMA Cardiol, 2021 Mar;6:258-266; Pierce J et al. Can J Neurol Sci, 2024 Mar;51:336-338; Raheja S et al. Amyloid, 2025 Mar;32:46-53). This amino acid position is poorly conserved in available vertebrate species. In addition, this alteration is predicted to be deleterious by in silico analysis. This variant is considered to be rare based on population cohorts in the Genome Aggregation Database (gnomAD). Based on the supporting evidence, this variant is interpreted as a disease-causing mutation.

Labcorp Genetics (formerly Invitae), Labcorp
Classification: Likely pathogenic for Amyloidosis, hereditary systemic 1. Last evaluated: 2023-03-23. Review status: criteria provided, single submitter. Criteria: Invitae Variant Classification Sherloc (09022015). Collection method: clinical testing. Allele origin: germline.
Comment: Advanced modeling of protein sequence and biophysical properties (such as structural, functional, and spatial information, amino acid conservation, physicochemical variation, residue mobility, and thermodynamic stability) performed at Invitae indicates that this missense variant is expected to disrupt TTR protein function. In summary, the currently available evidence indicates that the variant is pathogenic, but additional data are needed to prove that conclusively. Therefore, this variant has been classified as Likely Pathogenic. This variant is not present in population databases (gnomAD no frequency). This missense change has been observed in individual(s) with clinical features of hereditary transthyretin-mediated amyloidosis (PMID: 17554795, 25430583; Invitae). This variant is also known as p.His90Asp. ClinVar contains an entry for this variant (Variation ID: 1524375). This sequence change replaces histidine, which is basic and polar, with aspartic acid, which is acidic and polar, at codon 110 of the TTR protein (p.His110Asp).

Literature cited by the submitters: PubMed 17554795 (cited by Ambry Genetics and Labcorp Genetics (formerly Invitae), Labcorp); PubMed 25430583 (cited by Ambry Genetics and Labcorp Genetics (formerly Invitae), Labcorp); PubMed 26243339 (cited by Ambry Genetics); PubMed 29016222 (cited by Ambry Genetics); PubMed 30328212 (cited by Ambry Genetics); PubMed 33237279 (cited by Ambry Genetics); PubMed 35428899 (cited by Ambry Genetics); PubMed 36624082 (cited by Ambry Genetics); PubMed 39676281 (cited by Ambry Genetics).

NM_000371.4(TTR):c.328C>G (p.His110Asp)

Gene: TTR (transthyretin; plus strand). Cytogenetic location: 18q12.1.
Variant type: single nucleotide variant.
Coding change: c.328C>G on transcript NM_000371.4 (MANE Select); coding-DNA position 328, C replaced by G.
Protein change: p.His110Asp; replaces histidine 110 with aspartic acid.
Molecular consequence: missense variant.
Genome position (GRCh38, 1-based): chr18:31,595,247, C>G. VCF-style: chr18-31595247-C-G. GRCh37 (hg19) VCF-style: chr18-29175210-C-G.
Other names: short protein forms H110D.
Identifiers: ClinVar variation 1524375 (VCV001524375.11), dbSNP rs121918074, ClinGen allele CA402157147.